The following is an entry in ClinVar:

ClinVar aggregate classification (germline): Uncertain significance. Review status: criteria provided, multiple submitters, no conflicts (2 of 4 stars). 2 submissions from 2 submitters: Uncertain significance (2). Last evaluated 2024-12-04.

Conditions:
Inborn genetic diseases. Identifiers: MedGen C0950123, MeSH D030342.

Allele frequency attached by ClinVar (database versions not stated): gnomAD exomes below 0.00001; TOPMed 0.00002; gnomAD 0.00004; ExAC 0.00005; 1000 Genomes Project 0.00020; 1000 Genomes Project 30x 0.00031.
gnomAD v4.1: 10 of 1,551,748 alleles (0.00064%); highest among the groups gnomAD compares: African/African-American, 0.0027%; no homozygotes.

Submissions (2):

Ambry Genetics
Classification: Uncertain significance for Inborn genetic diseases. Last evaluated: 2024-12-04. Review status: criteria provided, single submitter. Criteria: Ambry Variant Classification Scheme 2023. Collection method: clinical testing. Allele origin: germline.

Labcorp Genetics (formerly Invitae), Labcorp
Classification: Uncertain significance. Last evaluated: 2023-04-19. Review status: criteria provided, single submitter. Criteria: Invitae Variant Classification Sherloc (09022015). Collection method: clinical testing. Allele origin: germline.
Comment: In summary, the available evidence is currently insufficient to determine the role of this variant in disease. Therefore, it has been classified as a Variant of Uncertain Significance. Advanced modeling of protein sequence and biophysical properties (such as structural, functional, and spatial information, amino acid conservation, physicochemical variation, residue mobility, and thermodynamic stability) performed at Invitae indicates that this missense variant is not expected to disrupt UNC80 protein function. ClinVar contains an entry for this variant (Variation ID: 1987361). This variant has not been reported in the literature in individuals affected with UNC80-related conditions. This variant is present in population databases (rs180715751, gnomAD 0.006%). This sequence change replaces arginine, which is basic and polar, with glutamine, which is neutral and polar, at codon 3088 of the UNC80 protein (p.Arg3088Gln).

NM_001371986.1(UNC80):c.9461G>A (p.Arg3154Gln)

Gene: UNC80 (unc-80 subunit of NALCN channel complex; plus strand). Cytogenetic location: 2q34.
Variant type: single nucleotide variant.
Coding change: c.9461G>A on transcript NM_001371986.1 (MANE Select); coding-DNA position 9461, G replaced by A.
Protein change: p.Arg3154Gln; replaces arginine 3154 with glutamine.
Molecular consequence: missense variant.
Genome position (GRCh38, 1-based): chr2:209,993,379, G>A. VCF-style: chr2-209993379-G-A. GRCh37 (hg19) VCF-style: chr2-210858103-G-A.
Other names: c.9263G>A, p.Arg3088Gln (NM_032504.2); c.9191G>A, p.Arg3064Gln (NM_182587.4); c.9263G>A (NM_032504.1); short protein forms R3064Q, R3154Q, R3088Q.
Identifiers: ClinVar variation 1987361 (VCV001987361.5), dbSNP rs180715751, ClinGen allele CA2083677.